The following is an entry in ClinVar:

NM_001845.6(COL4A1):c.807+3C>T

Gene: COL4A1 (collagen type IV alpha 1 chain; minus strand). Cytogenetic location: 13q34.
Variant type: single nucleotide variant.
Coding change: c.807+3C>T on transcript NM_001845.6 (MANE Select); 3 bases into the intron after coding-DNA position 807, C replaced by T.
Molecular consequence: intron variant.
Genome position (GRCh38, 1-based): chr13:110,206,862, G>A on the plus strand (C>T on the coding strand, the complement: COL4A1 is on the minus strand). VCF-style: chr13-110206862-G-A. GRCh37 (hg19) VCF-style: chr13-110859209-G-A.
Other names: c.807+3C>T (NM_001303110.2, NM_001845.5).
Identifiers: ClinVar variation 281989 (VCV000281989.16), dbSNP rs192723236, ClinGen allele CA7048320.
Genomic context (GRCh38, chr13:110,206,862, plus strand): 5'-ACTTGAAACTTAAATCTTTATGGTCTTTGACCTAAAAATGATAGGCAGAAACTGAGTACT[G>A]ACCTGAAATCCAGGTTCACCTTTTTGGCCCTGAAAGAATTCGAGAGACAGATCAGCACTA-3'

ClinVar aggregate classification (germline): Benign/Likely benign. Review status: criteria provided, multiple submitters, no conflicts (2 of 4 stars). 5 submissions from 5 submitters: Benign (1); Likely benign (3). 1 of the submissions does not count toward it. Last evaluated 2025-10-01.

Conditions:
Microangiopathy and leukoencephalopathy, pontine, autosomal dominant. Also called: DEMENTIA, HEREDITARY MULTI-INFARCT, SWEDISH TYPE; Pontine autosomal dominant microangiopathy with leukoencephalopathy. Identifiers: Orphanet 477749, MedGen C5231411, MONDO:0032814, OMIM 618564.
Hemorrhage, intracerebral, susceptibility to (ICH). Also called: Stroke, hemorrhagic, susceptibility to. Identifiers: MedGen C3281105, MONDO:0100533, OMIM 614519.
Autosomal dominant familial hematuria-retinal arteriolar tortuosity-contractures syndrome. Also called: Hereditary Angiopathy with Nephropathy, Aneurysms, and Muscle Cramps (HANAC) Syndrome; Angiopathy, hereditary, with nephropathy, aneurysms, and muscle cramps. Identifiers: Orphanet 73229, MedGen C2673195, MONDO:0012726, OMIM 611773.
Retinal arterial tortuosity. Also called: Retinal arteries, tortuosity of; RETINAL HEMORRHAGE WITH VASCULAR TORTUOSITY. Identifiers: Orphanet 75326, MedGen C0423401, MONDO:0008373, OMIM 180000, HP:0000631.
Brain small vessel disease 1 with or without ocular anomalies (BSVD1). Also called: Brain small vessel disease with or without ocular anomalies; BRAIN SMALL VESSEL DISEASE WITH HEMORRHAGE; GOULD SYNDROME 1; PORENCEPHALY, TYPE 1, AUTOSOMAL DOMINANT. Identifiers: Orphanet 2940, Orphanet 36383, Orphanet 99810, MedGen C4755307, MONDO:0008289, OMIM 175780.
COL4A1-related disorder. Also called: COL4A1-related disorders; COL4A1-related condition. Identifiers: MedGen CN376119, MONDO:0800461.

Allele frequency attached by ClinVar (database versions not stated): gnomAD 0.00015 and 0.00020; gnomAD exomes 0.00019 and 0.00052; TOPMed 0.00019; ExAC 0.00047; 1000 Genomes Project 30x 0.00078; 1000 Genomes Project 0.00100.
gnomAD v4.1: 297 of 1,613,862 alleles (0.018%); highest among the groups gnomAD compares: East Asian, 0.63%; 1 homozygote.

Submissions (5):

Labcorp Genetics (formerly Invitae), Labcorp
Classification: Benign. Last evaluated: 2025-10-01. Review status: criteria provided, single submitter. Criteria: Invitae Variant Classification Sherloc (09022015). Collection method: clinical testing. Allele origin: germline.

Blueprint Genetics
Classification: Likely benign. Last evaluated: 2024-10-08. Review status: criteria provided, single submitter. Criteria: ACMG Guidelines, 2015. Collection method: clinical testing. Allele origin: germline.

Fulgent Genetics
Classification: Likely benign for Brain small vessel disease 1 with or without ocular anomalies; Retinal arterial tortuosity; Autosomal dominant familial hematuria-retinal arteriolar tortuosity-contractures syndrome; Hemorrhage, intracerebral, susceptibility to; Microangiopathy and leukoencephalopathy, pontine, autosomal dominant. Last evaluated: 2022-05-25. Review status: criteria provided, single submitter. Criteria: ACMG Guidelines, 2015. Collection method: clinical testing. Allele origin: unknown.

Eurofins Ntd Llc (ga)
Classification: Likely benign. Last evaluated: 2015-08-10. Review status: criteria provided, single submitter. Criteria: EGL Classification Definitions 2015. Collection method: clinical testing. Allele origin: germline. Observed: 1 variant allele, 1 heterozygote.

PreventionGenetics, part of Exact Sciences
Classification: Likely benign for COL4A1-related condition. Last evaluated: 2022-06-10. Review status: no assertion criteria provided. Collection method: clinical testing. Allele origin: germline. Not counted in ClinVar's aggregate classification.
Comment: This variant is classified as likely benign based on ACMG/AMP sequence variant interpretation guidelines (Richards et al. 2015 PMID: 25741868, with internal and published modifications).